The following is an entry in ClinVar:

ClinVar aggregate classification (germline): Uncertain significance (1 of 4 stars; one submission).

Conditions:
Inborn genetic diseases. Identifiers: MedGen C0950123, MeSH D030342.

gnomAD v4.1: 1 of 1,614,208 alleles (0.000062%); highest among the groups gnomAD compares: Non-Finnish European, 0.000085%; no homozygotes.

Submission:

Ambry Genetics
Classification: Uncertain significance for Inborn genetic diseases. Last evaluated: 2026-07-28. Review status: criteria provided, single submitter. Criteria: Ambry Variant Classification Scheme 2023. Collection method: clinical testing. Allele origin: germline.
Comment: The p.E1296K variant (also known as c.3886G>A), located in coding exon 39 of the FANCA gene, results from a G to A substitution at nucleotide position 3886. The glutamic acid at codon 1296 is replaced by lysine, an amino acid with similar properties. This amino acid position is conserved. In addition, the in silico prediction for this alteration is inconclusive. Based on the available evidence, the clinical significance of this variant remains unclear.

NM_000135.4(FANCA):c.3886G>A (p.Glu1296Lys)

Genes: FANCA (FA complementation group A; minus strand), ZNF276 (zinc finger protein 276; plus strand). Cytogenetic location: 16q24.3.
Variant type: single nucleotide variant.
Coding change: c.3886G>A on transcript NM_000135.4 (MANE Select); coding-DNA position 3886, G replaced by A.
Protein change: p.Glu1296Lys; replaces glutamic acid 1296 with lysine.
Molecular consequence: missense variant. On other transcripts: 3 prime UTR variant (2), non-coding transcript variant (4).
Genome position (GRCh38, 1-based): chr16:89,740,042, C>T on the plus strand (G>A on the coding strand, the complement: FANCA is on the minus strand). VCF-style: chr16-89740042-C-T. GRCh37 (hg19) VCF-style: chr16-89806450-C-T.
Other names: c.3886G>A, p.Glu1296Lys (NM_001286167.3); c.*1796C>T (NM_001113525.2, NM_152287.4); short protein forms E1296K.
Identifiers: ClinVar variation 5036380 (VCV005036380.1).